The following is an entry in ClinVar:

ClinVar aggregate classification (germline): Uncertain significance. Review status: criteria provided, multiple submitters, no conflicts (2 of 4 stars). 2 submissions from 2 submitters: Uncertain significance (2). Last evaluated 2025-11-11.

Conditions:
Inborn genetic diseases. Identifiers: MedGen C0950123, MeSH D030342.

Allele frequency attached by ClinVar (database versions not stated): gnomAD 0.00002; TOPMed 0.00004.
gnomAD v4.1: 6 of 1,614,044 alleles (0.00037%); highest among the groups gnomAD compares: Admixed American, 0.005%; no homozygotes.

Submissions (2):

Ambry Genetics
Classification: Uncertain significance for Inborn genetic diseases. Last evaluated: 2025-11-11. Review status: criteria provided, single submitter. Criteria: Ambry Variant Classification Scheme 2023. Collection method: clinical testing. Allele origin: germline.

Greenwood Genetic Center Diagnostic Laboratories, Greenwood Genetic Center
Classification: Uncertain significance. Last evaluated: 2022-12-13. Review status: criteria provided, single submitter. Criteria: ACMG Guidelines, 2015. Collection method: clinical testing. Allele origin: germline. Affected: yes.
Comment: PM2

NM_032436.4(CHAMP1):c.2002G>C (p.Glu668Gln)

Gene: CHAMP1 (chromosome alignment maintaining phosphoprotein 1; plus strand). Cytogenetic location: 13q34.
Variant type: single nucleotide variant.
Coding change: c.2002G>C on transcript NM_032436.4 (MANE Select); coding-DNA position 2002, G replaced by C.
Protein change: p.Glu668Gln; replaces glutamic acid 668 with glutamine.
Molecular consequence: missense variant.
Genome position (GRCh38, 1-based): chr13:114,325,844, G>C. VCF-style: chr13-114325844-G-C. GRCh37 (hg19) VCF-style: chr13-115091319-G-C.
Other names: c.2002G>C (NM_032436.2); c.2002G>C, p.Glu668Gln (NM_001164144.3, NM_001164145.3); short protein forms E668Q.
Identifiers: ClinVar variation 2429025 (VCV002429025.5), dbSNP rs2087243561, ClinGen allele CA388850168.
Genomic context (GRCh38, chr13:114,325,844, plus strand): 5'-GGCCAGGAATCAAGCAGTGATCAAGAGCAGGTTGATGTGGAATCCATTGATTTTAGCAAA[G>C]AGAACAAAATGGACATGACTAGTCCAGAGCAGTCTAGAAATGTGCTACAGTTTACTGAAG-3'
Protein context (NP_115812.1, residues 658-678): VDVESIDFSK[Glu668Gln]NKMDMTSPEQ